The following is an entry in ClinVar:

ClinVar aggregate classification (germline): Uncertain significance (1 of 4 stars; one submission).

Submission:

Women's Health and Genetics/Laboratory Corporation of America, LabCorp
Classification: Uncertain significance. Last evaluated: 2022-03-04. Review status: criteria provided, single submitter. Criteria: LabCorp Variant Classification Summary - May 2015. Collection method: clinical testing. Allele origin: germline.
Comment: Variant summary: SMN1 c.835-31T>G is located at a position not widely known to affect splicing. 4/4 computational tools predict no significant impact on normal splicing. However, these predictions have yet to be confirmed by functional studies. The variant was absent in 242914 control chromosomes (gnomAD). The available data on variant occurrences in the general population are insufficient to allow any conclusion about variant significance. To our knowledge, no occurrence of c.835-31T>G in individuals affected with Spinal Muscular Atrophy and no experimental evidence demonstrating its impact on protein function have been reported. No clinical diagnostic laboratories have submitted clinical-significance assessments for this variant to ClinVar after 2014. Based on the evidence outlined above, the variant was classified as VUS-possibly benign.

NM_000344.4(SMN1):c.835-31T>G

Gene: SMN1 (survival of motor neuron 1, telomeric). Cytogenetic location: 5q13.2.
Variant type: single nucleotide variant.
Coding change: c.835-31T>G on transcript NM_000344.4 (MANE Select); 31 bases into the intron before coding-DNA position 835, T replaced by G.
Molecular consequence: intron variant.
Genome position (GRCh38, 1-based): chr5:70,951,910, T>G. VCF-style: chr5-70951910-T-G. GRCh37 (hg19) VCF-style: chr5-70247737-T-G.
Other names: c.835-529T>G (NM_001297715.1); c.739-31T>G (NM_022874.2).
Identifiers: ClinVar variation 1027633 (VCV001027633.2), dbSNP rs1749767005, ClinGen allele CA1554174096.